The following is an entry in ClinVar:

NM_001371904.1(APOA5):c.154G>T (p.Glu52Ter)

Genes: APOA5 (apolipoprotein A5; minus strand), LOC108491825 (enhancer-blocking element 11-1-2 overlapping APOA5; plus strand). Cytogenetic location: 11q23.3.
Variant type: single nucleotide variant.
Coding change: c.154G>T on transcript NM_001371904.1 (MANE Select); coding-DNA position 154, G replaced by T.
Protein change: p.Glu52Ter; replaces glutamic acid 52 with a stop codon.
Molecular consequence: nonsense.
Genome position (GRCh38, 1-based): chr11:116,791,593, C>A on the plus strand (G>T on the coding strand, the complement: APOA5 is on the minus strand). VCF-style: chr11-116791593-C-A. GRCh37 (hg19) VCF-style: chr11-116662309-C-A.
Other names: c.154G>T, p.Glu52Ter (NM_001166598.2, NM_052968.5); short protein forms E52*.
Identifiers: ClinVar variation 1775030 (VCV001775030.2), dbSNP rs755144803, ClinGen allele CA382740745.

ClinVar aggregate classification (germline): Likely pathogenic (1 of 4 stars; one submission).

Conditions:
Cardiovascular phenotype. Identifiers: MedGen CN230736.

gnomAD v4.1: 1 of 1,599,474 alleles (0.000063%); highest among the groups gnomAD compares: Non-Finnish European, 0.000085%; no homozygotes.

Submission:

Ambry Genetics
Classification: Likely pathogenic for Cardiovascular phenotype. Last evaluated: 2020-06-30. Review status: criteria provided, single submitter. Criteria: Ambry Variant Classification Scheme 2023. Collection method: clinical testing. Allele origin: germline.
Comment: The p.E52* variant (also known as c.154G>T), located in coding exon 2 of the APOA5 gene, results from a G to T substitution at nucleotide position 154. This changes the amino acid from a glutamic acid to a stop codon within coding exon 2. Premature stop codons are typically deleterious in nature; however, this stop codon occurs at the 3' terminus of APOA5 and is not expected to trigger nonsense-mediated mRNA decay. This variant results in the loss of >85% of the protein, including the C-terminal domain which has been implicated in lipid binding, and is expected to result in loss of function by premature protein truncation. Based on the majority of available evidence to date, this variant is likely to be pathogenic.